The following is an entry in ClinVar:

ClinVar aggregate classification (germline): Conflicting classifications of pathogenicity. Review status: criteria provided, conflicting classifications (1 of 4 stars). 2 submissions from 2 submitters: Uncertain significance (1); Likely benign (1). Last evaluated 2025-07-30.

Conditions:
Cardiovascular phenotype. Identifiers: MedGen CN230736.
Dilated cardiomyopathy 1DD (CMD1DD). Identifiers: Orphanet 154, MedGen C2750995, MONDO:0013168, OMIM 613172.

Allele frequency attached by ClinVar (database versions not stated): gnomAD exomes 0.00002.
gnomAD v4.1: 9 of 1,551,294 alleles (0.00058%); highest among the groups gnomAD compares: Non-Finnish European, 0.00078%; no homozygotes.

Submissions (2):

Ambry Genetics
Classification: Uncertain significance for Cardiovascular phenotype. Last evaluated: 2025-07-30. Review status: criteria provided, single submitter. Criteria: Ambry Variant Classification Scheme 2023. Collection method: clinical testing. Allele origin: germline.
Comment: The p.S893R variant (also known as c.2679T>G), located in coding exon 11 of the RBM20 gene, results from a T to G substitution at nucleotide position 2679. The serine at codon 893 is replaced by arginine, an amino acid with dissimilar properties. This variant was reported in individual(s) with features consistent with dilated cardiomyopathy (DCM) (Mazzarotto F et al. Circulation, 2020 Feb;141:387-398). This amino acid position is well conserved in available vertebrate species. In addition, this alteration is predicted to be tolerated by in silico analysis. Based on the available evidence, the clinical significance of this variant remains unclear.

Labcorp Genetics (formerly Invitae), Labcorp
Classification: Likely benign for Dilated cardiomyopathy 1DD. Last evaluated: 2025-06-18. Review status: criteria provided, single submitter. Criteria: Invitae Variant Classification Sherloc (09022015). Collection method: clinical testing. Allele origin: germline.

Literature cited by the submitters: PubMed 31983221 (cited by Ambry Genetics).

NM_001134363.3(RBM20):c.2679T>G (p.Ser893Arg)

Gene: RBM20 (RNA binding motif protein 20; plus strand). Cytogenetic location: 10q25.2.
Variant type: single nucleotide variant.
Coding change: c.2679T>G on transcript NM_001134363.3 (MANE Select); coding-DNA position 2679, T replaced by G.
Protein change: p.Ser893Arg; replaces serine 893 with arginine.
Molecular consequence: missense variant.
Genome position (GRCh38, 1-based): chr10:110,821,298, T>G. VCF-style: chr10-110821298-T-G. GRCh37 (hg19) VCF-style: chr10-112581056-T-G.
Other names: c.2679T>G (NM_001134363.1); short protein forms S893R.
Identifiers: ClinVar variation 470602 (VCV000470602.11), dbSNP rs1243335115, ClinGen allele CA378377138.